The following is an entry in ClinVar:

NM_015272.5(RPGRIP1L):c.1340T>C (p.Leu447Ser)

Gene: RPGRIP1L (RPGRIP1 like; minus strand). Cytogenetic location: 16q12.2.
Variant type: single nucleotide variant.
Coding change: c.1340T>C on transcript NM_015272.5 (MANE Select); coding-DNA position 1340, T replaced by C.
Protein change: p.Leu447Ser; replaces leucine 447 with serine.
Molecular consequence: missense variant.
Genome position (GRCh38, 1-based): chr16:53,658,782, A>G on the plus strand (T>C on the coding strand, the complement: RPGRIP1L is on the minus strand). VCF-style: chr16-53658782-A-G. GRCh37 (hg19) VCF-style: chr16-53692694-A-G.
Other names: c.1340T>C, p.Leu447Ser (NM_001127897.4, NM_001308334.3, NM_001330538.2); c.1340T>C (NM_015272.4); short protein forms L447S.
Identifiers: ClinVar variation 193900 (VCV000193900.73), dbSNP rs138155747, ClinGen allele CA200839.
Genomic context (GRCh38, chr16:53,658,782, plus strand): 5'-ATTGAGATAAAAATTCTGAGTTTTATTTCTTAAATAAGGAAATAATTCACCTGGTTGTAC[A>G]ATTTTATGCGTTTTTTAAGTTCATCAAGTTGTTGCTTTTGTTCCAGATACTGTAACTGTA-3'
Protein context (NP_056087.2, residues 437-457): QLDELKKRIK[Leu447Ser]YNQENDINAD

ClinVar aggregate classification (germline): Conflicting classifications of pathogenicity. Review status: criteria provided, conflicting classifications (1 of 4 stars). 14 submissions from 14 submitters: Uncertain significance (1); Benign (4); Likely benign (6). 3 of the submissions do not count toward it. Last evaluated 2026-08-01.

Conditions:
Joubert syndrome. Also called: JOUBERT-BOLTSHAUSER SYNDROME; Familial aplasia of the vermis. Identifiers: Orphanet 475, MedGen C5979921, MONDO:0018772.
Meckel-Gruber syndrome. Also called: DYSENCEPHALIA SPLANCHNOCYSTICA; GRUBER SYNDROME; Dysencephalia splachnocystica. Identifiers: Orphanet 564, MedGen C0265215, MONDO:0018921.
Meckel syndrome, type 5 (MKS5). Identifiers: Orphanet 564, MedGen C1969052, MONDO:0012695, OMIM 611561.

Allele frequency attached by ClinVar (database versions not stated): 1000 Genomes Project 30x 0.00141; 1000 Genomes Project 0.00160; TOPMed 0.00267; gnomAD exomes 0.00310 and 0.00433; gnomAD 0.00320 and 0.00322; ESP Exome Variant Server 0.00408; ExAC 0.00540.
gnomAD v4.1: 6,708 of 1,593,768 alleles (0.42%); highest among the groups gnomAD compares: Non-Finnish European, 0.49%; 20 homozygotes.

Submissions (14):

CeGaT Center for Human Genetics Tuebingen
Classification: Likely benign. Last evaluated: 2026-08-01. Review status: criteria provided, single submitter. Criteria: CeGaT Center For Human Genetics Tuebingen Variant Classification Criteria Version 2. Collection method: clinical testing. Allele origin: germline. Affected: yes. Observed: 30 variant alleles.
Comment: RPGRIP1L: BP4, BS2

Labcorp Genetics (formerly Invitae), Labcorp
Classification: Benign for Joubert syndrome; Meckel-Gruber syndrome. Last evaluated: 2026-01-28. Review status: criteria provided, single submitter. Criteria: Invitae Variant Classification Sherloc (09022015). Collection method: clinical testing. Allele origin: germline.

Mayo Clinic Laboratories, Mayo Clinic
Classification: Likely benign. Last evaluated: 2025-08-06. Review status: criteria provided, single submitter. Criteria: ACMG Guidelines, 2015. Collection method: clinical testing. Allele origin: germline. Observed: 5 variant alleles.
Comment: BS1, BS3_supporting

Blueprint Genetics
Classification: Likely benign. Last evaluated: 2024-11-27. Review status: criteria provided, single submitter. Criteria: ACMG Guidelines, 2015. Collection method: clinical testing. Allele origin: germline.

Genetic Services Laboratory, University of Chicago
Classification: Likely benign. Last evaluated: 2020-09-11. Review status: criteria provided, single submitter. Criteria: ACMG Guidelines, 2015. Collection method: clinical testing. Allele origin: germline. Affected: no.

GeneDx
Classification: Benign. Last evaluated: 2017-11-09. Review status: criteria provided, single submitter. Criteria: GeneDx Variant Classification (06012015). Collection method: clinical testing. Allele origin: germline. Affected: yes.
Comment: This variant is considered likely benign or benign based on one or more of the following criteria: it is a conservative change, it occurs at a poorly conserved position in the protein, it is predicted to be benign by multiple in silico algorithms, and/or has population frequency not consistent with disease.

Illumina Laboratory Services, Illumina
Classification: Uncertain significance for Meckel syndrome, type 5. Last evaluated: 2017-04-27. Review status: criteria provided, single submitter. Criteria: ICSL Variant Classification Criteria 13 December 2019. Collection method: clinical testing. Allele origin: germline.
Comment: This variant was observed as part of a predisposition screen in an ostensibly healthy population. A literature search was performed for the gene, cDNA change, and amino acid change (where applicable). Publications were found based on this search. However, the evidence from the literature, in combination with allele frequency data from public databases where available, was not sufficient to rule this variant in or out of causing disease. Therefore, this variant is classified as a variant of unknown significance.

Laboratory for Molecular Medicine, Mass General Brigham Personalized Medicine
Classification: Benign. Last evaluated: 2016-03-29. Review status: criteria provided, single submitter. Criteria: LMM Criteria. Collection method: clinical testing. Allele origin: germline.
Comment: Variant identified in a genome or exome case(s) and assessed due to predicted null impact of the variant or pathogenic assertions in the literature or databases. Disclaimer: This variant has not undergone full assessment. The following are preliminary notes: Frequency + variant associated with BBS

Center for Pediatric Genomic Medicine, Children's Mercy Hospital and Clinics
Classification: Benign. Last evaluated: 2016-01-06. Review status: criteria provided, single submitter. Criteria: ACMG Guidelines, 2015. Collection method: clinical testing. Allele origin: germline.

Eurofins Ntd Llc (ga)
Classification: Likely benign. Last evaluated: 2014-08-15. Review status: criteria provided, single submitter. Criteria: EGL Classification Definitions 2015. Collection method: clinical testing. Allele origin: germline. Observed: 3 variant alleles, 3 heterozygotes.

PreventionGenetics, part of Exact Sciences
Classification: Likely benign. Review status: criteria provided, single submitter. Criteria: ACMG Guidelines, 2015. Collection method: clinical testing. Allele origin: germline.

Natera, Inc.
Classification: Benign for Joubert syndrome. Last evaluated: 2019-12-28. Review status: no assertion criteria provided. Collection method: clinical testing. Allele origin: germline. Not counted in ClinVar's aggregate classification.

Clinical Genetics DNA and cytogenetics Diagnostics Lab, Erasmus MC, Erasmus Medical Center
Classification: Likely benign. Review status: no assertion criteria provided. Collection method: clinical testing. Allele origin: germline. Affected: yes. Study: VKGL Data-share Consensus. Not counted in ClinVar's aggregate classification.

Clinical Genetics, Academic Medical Center
Classification: Benign. Review status: no assertion criteria provided. Collection method: clinical testing. Allele origin: germline. Affected: yes. Study: VKGL Data-share Consensus. Not counted in ClinVar's aggregate classification.

Literature cited by the submitters: PubMed 19430481 (cited by Mayo Clinic Laboratories, Mayo Clinic and Illumina Laboratory Services, Illumina); PubMed 21228398 (cited by Mayo Clinic Laboratories, Mayo Clinic); PubMed 28497568 (cited by Mayo Clinic Laboratories, Mayo Clinic); PubMed 31308072 (cited by Mayo Clinic Laboratories, Mayo Clinic); PubMed 33057194 (cited by Mayo Clinic Laboratories, Mayo Clinic); PubMed 35982159 (cited by Mayo Clinic Laboratories, Mayo Clinic).